The following is an entry in ClinVar:

ClinVar aggregate classification (germline): Uncertain significance (1 of 4 stars; one submission).

Submission:

Labcorp Genetics (formerly Invitae), Labcorp
Classification: Uncertain significance. Last evaluated: 2023-10-03. Review status: criteria provided, single submitter. Criteria: Invitae Variant Classification Sherloc (09022015). Collection method: clinical testing. Allele origin: germline.
Comment: This sequence change replaces arginine, which is basic and polar, with glycine, which is neutral and non-polar, at codon 145 of the RALA protein (p.Arg145Gly). This variant is not present in population databases (gnomAD no frequency). This variant has not been reported in the literature in individuals affected with RALA-related conditions. Advanced modeling of protein sequence and biophysical properties (such as structural, functional, and spatial information, amino acid conservation, physicochemical variation, residue mobility, and thermodynamic stability) performed at Invitae indicates that this missense variant is not expected to disrupt RALA protein function. In summary, the available evidence is currently insufficient to determine the role of this variant in disease. Therefore, it has been classified as a Variant of Uncertain Significance.

NM_005402.4(RALA):c.433A>G (p.Arg145Gly)

Gene: RALA (RAS like proto-oncogene A; plus strand). Cytogenetic location: 7p14.1.
Variant type: single nucleotide variant.
Coding change: c.433A>G on transcript NM_005402.4 (MANE Select); coding-DNA position 433, A replaced by G.
Protein change: p.Arg145Gly; replaces arginine 145 with glycine.
Molecular consequence: missense variant.
Genome position (GRCh38, 1-based): chr7:39,696,794, A>G. VCF-style: chr7-39696794-A-G. GRCh37 (hg19) VCF-style: chr7-39736393-A-G.
Other names: short protein forms R145G.
Identifiers: ClinVar variation 2763324 (VCV002763324.3), dbSNP rs2534049614, ClinGen allele CA367306492.